The following is an entry in ClinVar:

NM_001136018.4(EPHX1):c.415C>T (p.His139Tyr)

Gene: EPHX1 (epoxide hydrolase 1; plus strand). Cytogenetic location: 1q42.12.
Variant type: single nucleotide variant.
Coding change: c.415C>T on transcript NM_001136018.4 (MANE Select); coding-DNA position 415, C replaced by T.
Protein change: p.His139Tyr; replaces histidine 139 with tyrosine.
Molecular consequence: missense variant. On other transcripts: non-coding transcript variant (3), intron variant (2).
Genome position (GRCh38, 1-based): chr1:225,838,704, C>T. VCF-style: chr1-225838704-C-T. GRCh37 (hg19) VCF-style: chr1-226026405-C-T.
Other names: c.415C>T, p.His139Tyr (NM_000120.4, NM_001291163.2, NM_001378426.1 and 3 more transcripts); c.388C>T, p.His130Tyr (NM_001378428.1); c.365-513C>T (NM_001378431.1); c.365-3662C>T (NM_001378432.1); short protein forms H139Y, H130Y.
Identifiers: ClinVar variation 4985327 (VCV004985327.1).
Genomic context (GRCh38, chr1:225,838,704, plus strand): 5'-GTCCCCCCAGGGCTGGACATCCACTTCATCCACGTGAAGCCCCCCCAGCTGCCCGCAGGC[C>T]ATACCCCGAAGCCCTTGCTGATGGTGCACGGCTGGCCCGGCTCTTTCTACGAGTTTTATA-3'
Protein context (NP_001129490.1, residues 129-149): HVKPPQLPAG[His139Tyr]TPKPLLMVHG

ClinVar aggregate classification (germline): Likely benign (1 of 4 stars; one submission).

Conditions:
EPHX1-related disorder. Also called: EPHX1-related condition.

Submission:

PreventionGenetics, part of Exact Sciences
Classification: Likely benign for EPHX1-related condition. Last evaluated: 2026-06-26. Review status: criteria provided, single submitter. Criteria: ACMG Guidelines, 2015. Collection method: clinical testing. Allele origin: germline.
Comment: This variant is classified as likely benign based on ACMG/AMP sequence variant interpretation guidelines (Richards et al. 2015 PMID: 25741868, with internal and published modifications).